The following is an entry in ClinVar:

ClinVar aggregate classification (germline): Uncertain significance (1 of 4 stars; one submission).

Submission:

Labcorp Genetics (formerly Invitae), Labcorp
Classification: Uncertain significance. Last evaluated: 2025-01-31. Review status: criteria provided, single submitter. Criteria: Invitae Variant Classification Sherloc (09022015). Collection method: clinical testing. Allele origin: germline.
Comment: This variant, c.1361_1378del, results in the deletion of 6 amino acid(s) of the MBD4 protein (p.His454_Leu459del), but otherwise preserves the integrity of the reading frame. This variant is not present in population databases (gnomAD no frequency). This variant has not been reported in the literature in individuals affected with MBD4-related conditions. Experimental studies and prediction algorithms are not available or were not evaluated, and the functional significance of this variant is currently unknown. In summary, the available evidence is currently insufficient to determine the role of this variant in disease. Therefore, it has been classified as a Variant of Uncertain Significance.

NM_001276270.2(MBD4):c.1343_1360del (p.His448_Leu453del)

Gene: MBD4 (methyl-CpG binding domain 4, DNA glycosylase; minus strand). Cytogenetic location: 3q21.3.
Variant type: Deletion.
Coding change: c.1343_1360del on transcript NM_001276270.2 (MANE Select); coding-DNA positions 1343 to 1360, 18 bases deleted (ATGATCCATGGAAGCTTC).
Protein change: p.His448_Leu453del.
Molecular consequence: inframe deletion.
Genome position (GRCh38, 1-based): chr3:129,433,883-129,433,900, GAAGCTTCCATGGATCAT deleted on the plus strand (ATGATCCATGGAAGCTTC on the coding strand, the reverse complement: MBD4 is on the minus strand); deleting any 18 consecutive bases within chr3:129,433,883-129,433,903 gives the same sequence; the c. name uses the placement nearest the transcript's 3' end. VCF-style (leftmost placement, unchanged base first): chr3-129433882-AGAAGCTTCCATGGATCAT-A. GRCh37 (hg19) VCF-style: chr3-129152725-AGAAGCTTCCATGGATCAT-A.
Other names: c.1361_1378del, p.His454_Leu459del (NM_001276271.2, NM_001276272.2, NM_003925.3); c.407_424del, p.His136_Leu141del (NM_001276273.2).
Identifiers: ClinVar variation 4712112 (VCV004712112.1).